The following is an entry in ClinVar:

ClinVar aggregate classification (germline): Benign/Likely benign. Review status: criteria provided, multiple submitters, no conflicts (2 of 4 stars). 9 submissions from 9 submitters: Benign (5); Likely benign (3). 1 of the submissions does not count toward it. Last evaluated 2026-01-24.

Conditions:
TSC1-related disorder. Also called: TSC1-related condition.
Hereditary cancer-predisposing syndrome. Also called: Hereditary Cancer Syndrome; Neoplastic Syndromes, Hereditary; Hereditary neoplastic syndrome; Tumor predisposition. Identifiers: Orphanet 140162, MedGen C0027672, MeSH D009386, MONDO:0015356.
Tuberous sclerosis syndrome (TSC). Also called: Tuberous Sclerosis Complex; Tuberous sclerosis. Identifiers: Orphanet 805, MedGen C0041341, MONDO:0001734.
Tuberous sclerosis 1 (TSC1). Identifiers: Orphanet 805, MedGen C1854465, MONDO:0008612, OMIM 191100.

Allele frequency attached by ClinVar (database versions not stated): gnomAD exomes 0.00004; ExAC 0.00007; gnomAD 0.00023 and 0.00025; ESP Exome Variant Server 0.00031; 1000 Genomes Project 0.00040; 1000 Genomes Project 30x 0.00047.
gnomAD v4.1: 59 of 1,467,532 alleles (0.004%); highest among the groups gnomAD compares: African/African-American, 0.066%; no homozygotes.

Submissions (9):

Labcorp Genetics (formerly Invitae), Labcorp
Classification: Benign for Tuberous sclerosis 1. Last evaluated: 2026-01-24. Review status: criteria provided, single submitter. Criteria: Invitae Variant Classification Sherloc (09022015). Collection method: clinical testing. Allele origin: germline.

PreventionGenetics, part of Exact Sciences
Classification: Likely benign for TSC1-related condition. Last evaluated: 2025-11-18. Review status: criteria provided, single submitter. Criteria: ACMG Guidelines, 2015. Collection method: clinical testing. Allele origin: germline.
Comment: This variant is classified as likely benign based on ACMG/AMP sequence variant interpretation guidelines (Richards et al. 2015 PMID: 25741868, with internal and published modifications).

Myriad Genetics, Inc.
Classification: Likely benign for Tuberous sclerosis 1. Last evaluated: 2024-08-16. Review status: criteria provided, single submitter. Criteria: Myriad Autosomal Dominant, Autosomal Recessive and X-Linked Classification Criteria (2023). Collection method: clinical testing. Allele origin: unknown.
Comment: This variant is considered likely benign. This variant has been observed at a population frequency that is significantly greater than expected given the associated disease prevalence and penetrance.

KCCC/NGS Laboratory, Kuwait Cancer Control Center
Classification: Benign for Tuberous sclerosis 1. Last evaluated: 2023-07-07. Review status: criteria provided, single submitter. Criteria: ACMG Guidelines, 2015. Collection method: clinical testing. Allele origin: germline. Affected: yes.

Color Diagnostics, LLC DBA Color Health
Classification: Benign for Tuberous sclerosis syndrome. Last evaluated: 2022-08-12. Review status: criteria provided, single submitter. Criteria: ACMG Guidelines, 2015. Collection method: clinical testing. Allele origin: germline.

Genome-Nilou Lab
Classification: Benign for Tuberous sclerosis 1. Last evaluated: 2021-11-07. Review status: criteria provided, single submitter. Criteria: ACMG Guidelines, 2015. Collection method: clinical testing. Allele origin: germline. Affected: no.

Ambry Genetics
Classification: Likely benign for Hereditary cancer-predisposing syndrome. Last evaluated: 2020-02-19. Review status: criteria provided, single submitter. Criteria: Ambry Variant Classification Scheme 2023. Collection method: clinical testing. Allele origin: germline.

GeneDx
Classification: Benign. Last evaluated: 2018-06-29. Review status: criteria provided, single submitter. Criteria: GeneDx Variant Classification Process June 2021. Collection method: clinical testing. Allele origin: germline. Affected: yes.
Comment: This variant is associated with the following publications: (PMID: 21309039, 25925381, 23514105, 17304050)

Tuberous sclerosis database (TSC1)
No classification provided. Condition: TSC. Review status: no classification provided. Criteria: Tuberous Sclerosis Database Assertion Criteria 2015. Collection method: curation. Allele origin: germline. Affected: yes. Not counted in ClinVar's aggregate classification.

Literature cited by the submitters: PubMed 17304050 (cited by Ambry Genetics); PubMed 21309039 (cited by Ambry Genetics).

NM_000368.5(TSC1):c.2653C>T (p.Arg885Trp)

Gene: TSC1 (TSC complex subunit 1; minus strand). Cytogenetic location: 9q34.13.
Variant type: single nucleotide variant.
Coding change: c.2653C>T on transcript NM_000368.5 (MANE Select); coding-DNA position 2653, C replaced by T.
Protein change: p.Arg885Trp; replaces arginine 885 with tryptophan.
Molecular consequence: missense variant.
Genome position (GRCh38, 1-based): chr9:132,897,583, G>A on the plus strand (C>T on the coding strand, the complement: TSC1 is on the minus strand). VCF-style: chr9-132897583-G-A. GRCh37 (hg19) VCF-style: chr9-135772970-G-A.
Other names: c.2650C>T, p.Arg884Trp (NM_001162426.2); c.2500C>T, p.Arg834Trp (NM_001162427.2); c.2290C>T, p.Arg764Trp (NM_001362177.2); short protein forms R885W, R834W, R764W, R884W.
Identifiers: ClinVar variation 48987 (VCV000048987.34), dbSNP rs118203723, ClinGen allele CA006792.
Genomic context (GRCh38, chr9:132,897,583, plus strand): 5'-AGGTATCAAGCCTCTGAGTCTGCTGGAGAACATGGCTTCTGTTTTTTTCTAGCTCTTTCC[G>A]ATAGGCGGCTTTCATCATTTCTACTTCCTGAAAAAAAAAAAAAAAAAAGACTGGAATTAG-3'
Protein context (NP_000359.1, residues 875-895): KEVEMMKAAY[Arg885Trp]KELEKNRSHV